The following is an entry in ClinVar:

NM_006767.4(LZTR1):c.1974C>A (p.Tyr658Ter)

Gene: LZTR1 (leucine zipper like post translational regulator 1; plus strand). Cytogenetic location: 22q11.21.
Variant type: single nucleotide variant.
Coding change: c.1974C>A on transcript NM_006767.4 (MANE Select); coding-DNA position 1974, C replaced by A.
Protein change: p.Tyr658Ter; replaces tyrosine 658 with a stop codon.
Molecular consequence: nonsense.
Genome position (GRCh38, 1-based): chr22:20,995,777, C>A. VCF-style: chr22-20995777-C-A. GRCh37 (hg19) VCF-style: chr22-21350066-C-A.
Other names: c.1974C>A (NM_006767.3); short protein forms Y658*.
Identifiers: ClinVar variation 2176844 (VCV002176844.7), dbSNP rs939793375, ClinGen allele CA410778989.

ClinVar aggregate classification (germline): Pathogenic/Likely pathogenic. Review status: criteria provided, multiple submitters, no conflicts (2 of 4 stars). 3 submissions from 3 submitters: Pathogenic (2); Likely pathogenic (1). Last evaluated 2023-05-12.

Conditions:
LZTR1-related schwannomatosis. Also called: Schwannomatosis 2; Schwannomatosis-2, susceptibility to. Identifiers: Orphanet 93921, MedGen C3810283, MONDO:0014299, OMIM 615670.
Noonan syndrome 2 (NS2). Identifiers: Orphanet 648, MedGen C1854469, MONDO:0011531, OMIM 605275.
Noonan syndrome 10 (NS10). Identifiers: Orphanet 648, MedGen C4225280, MONDO:0014693, OMIM 616564.
Hereditary cancer-predisposing syndrome. Also called: Hereditary Cancer Syndrome; Tumor predisposition; Neoplastic Syndromes, Hereditary; Hereditary neoplastic syndrome. Identifiers: Orphanet 140162, MedGen C0027672, MeSH D009386, MONDO:0015356.
Cardiovascular phenotype. Identifiers: MedGen CN230736.

gnomAD v4.1: 1 of 1,613,690 alleles (0.000062%); highest among the groups gnomAD compares: Admixed American, 0.0017%; no homozygotes.

Submissions (3):

Ambry Genetics
Classification: Pathogenic for Cardiovascular phenotype; Hereditary cancer-predisposing syndrome. Last evaluated: 2023-05-12. Review status: criteria provided, single submitter. Criteria: Ambry Variant Classification Scheme 2023. Collection method: clinical testing. Allele origin: germline.
Comment: The p.Y658* variant (also known as c.1974C>A), located in coding exon 17 of the LZTR1 gene, results from a C to A substitution at nucleotide position 1974. This changes the amino acid from a tyrosine to a stop codon within coding exon 17. This alteration is expected to result in loss of function by premature protein truncation or nonsense-mediated mRNA decay. Loss-of-function variants in LZTR1 are related to an increased risk for schwannomas and autosomal recessive Noonan syndrome; however, such associations with autosomal dominant Noonan syndrome have not been observed (Piotrowski A et al. Nat Genet. 2014 Feb;46:182-7; Yamamoto GL et al. J Med Genet. 2015 Jun;52:413-21; Johnston JJ et al. Genet Med. 2018 10;20:1175-1185). Based on the supporting evidence, this variant is pathogenic for an increased risk of LZTR1-related schwannomatosis (SWN) and would be expected to cause autosomal recessive Noonan syndrome when present along with a second pathogenic or likely pathogenic variant on the other allele; however, the association of this alteration with autosomal dominant Noonan syndrome is unlikely.

Labcorp Genetics (formerly Invitae), Labcorp
Classification: Pathogenic. Last evaluated: 2022-04-16. Review status: criteria provided, single submitter. Criteria: Invitae Variant Classification Sherloc (09022015). Collection method: clinical testing. Allele origin: germline.
Comment: For these reasons, this variant has been classified as Pathogenic. This premature translational stop signal has been observed in individual(s) with congenital heart disease (PMID: 33084842). This variant is present in population databases (no rsID available, gnomAD 0.003%). This sequence change creates a premature translational stop signal (p.Tyr658*) in the LZTR1 gene. It is expected to result in an absent or disrupted protein product. Loss-of-function variants in LZTR1 are known to be pathogenic (PMID: 24362817, 25335493, 25480913, 25795793, 29469822, 30442762, 30442766, 30481304, 30859559).

Juno Genomics, Hangzhou Juno Genomics, Inc
Classification: Likely pathogenic for LZTR1-related schwannomatosis; Noonan syndrome 10; Noonan syndrome 2. Review status: criteria provided, single submitter. Criteria: ACMG Guidelines, 2015. Collection method: clinical testing. Allele origin: germline.
Comment: Null variant in a gene where loss of function (LOF) is a known mechanism of disease.;Absent from controls (or at extremely low frequency if recessive) in Genome Aggregation Database.

Literature cited by the submitters: PubMed 33084842 (cited by Labcorp Genetics (formerly Invitae), Labcorp); PubMed 24362817 (cited by Labcorp Genetics (formerly Invitae), Labcorp); PubMed 25335493 (cited by Labcorp Genetics (formerly Invitae), Labcorp); PubMed 25480913 (cited by Labcorp Genetics (formerly Invitae), Labcorp); PubMed 25795793 (cited by Labcorp Genetics (formerly Invitae), Labcorp); PubMed 29469822 (cited by Labcorp Genetics (formerly Invitae), Labcorp); PubMed 30442762 (cited by Labcorp Genetics (formerly Invitae), Labcorp); PubMed 30442766 (cited by Labcorp Genetics (formerly Invitae), Labcorp); PubMed 30481304 (cited by Labcorp Genetics (formerly Invitae), Labcorp); PubMed 30859559 (cited by Labcorp Genetics (formerly Invitae), Labcorp).